The following is an entry in ClinVar:

ClinVar aggregate classification (germline): Uncertain significance (1 of 4 stars; one submission).

gnomAD v4.1: 1 of 1,612,992 alleles (0.000062%); highest among the groups gnomAD compares: Non-Finnish European, 0.000085%; no homozygotes.

Submission:

Labcorp Genetics (formerly Invitae), Labcorp
Classification: Uncertain significance. Last evaluated: 2025-04-13. Review status: criteria provided, single submitter. Criteria: Invitae Variant Classification Sherloc (09022015). Collection method: clinical testing. Allele origin: germline.
Comment: This sequence change replaces serine, which is neutral and polar, with leucine, which is neutral and non-polar, at codon 131 of the FGFR3 protein (p.Ser131Leu). This variant is present in population databases (rs766911583, gnomAD 0.0009%). This variant has not been reported in the literature in individuals affected with FGFR3-related conditions. Invitae Evidence Modeling of protein sequence and biophysical properties (such as structural, functional, and spatial information, amino acid conservation, physicochemical variation, residue mobility, and thermodynamic stability) has been performed for this missense variant. However, the output from this modeling did not meet the statistical confidence thresholds required to predict the impact of this variant on FGFR3 protein function. In summary, the available evidence is currently insufficient to determine the role of this variant in disease. Therefore, it has been classified as a Variant of Uncertain Significance.

NM_000142.5(FGFR3):c.392C>T (p.Ser131Leu)

Gene: FGFR3 (fibroblast growth factor receptor 3; plus strand). Cytogenetic location: 4p16.3.
Variant type: single nucleotide variant.
Coding change: c.392C>T on transcript NM_000142.5 (MANE Select); coding-DNA position 392, C replaced by T.
Protein change: p.Ser131Leu; replaces serine 131 with leucine.
Molecular consequence: missense variant. On other transcripts: non-coding transcript variant (1).
Genome position (GRCh38, 1-based): chr4:1,799,759, C>T. VCF-style: chr4-1799759-C-T. GRCh37 (hg19) VCF-style: chr4-1801486-C-T.
Other names: c.392C>T, p.Ser131Leu (NM_001163213.2, NM_001354809.2, NM_001354810.2 and 1 more transcripts); short protein forms S131L.
Identifiers: ClinVar variation 4750328 (VCV004750328.1).
Genomic context (GRCh38, chr4:1,799,759, plus strand): 5'-CCTCCTGGGGCAGGTTGGGCATTGGTTGCGGCCATCTCTGCCTTGCAGACGCTCCATCCT[C>T]GGGAGATGACGAAGACGGGGAGGACGAGGCTGAGGACACAGGTGTGGACACAGGTAGGAG-3'
Protein context (NP_000133.1, residues 121-141): FSVRVTDAPS[Ser131Leu]GDDEDGEDEA